The following is an entry in ClinVar:

ClinVar aggregate classification (germline): Uncertain significance (1 of 4 stars; one submission).

Conditions:
Hypertrophic cardiomyopathy 2. Also called: TNNT2-Related Familial Hypertrophic Cardiomyopathy. Identifiers: MedGen C1861864, MONDO:0007266, OMIM 115195.
Dilated cardiomyopathy 1D. Identifiers: Orphanet 154, Orphanet 54260, MedGen C1832243, MONDO:0011095, OMIM 601494.
Cardiomyopathy, familial restrictive, 3. Identifiers: Orphanet 75249, MedGen C2676271, MONDO:0012900, OMIM 612422.

Submission:

Labcorp Genetics (formerly Invitae), Labcorp
Classification: Uncertain significance for Cardiomyopathy, familial restrictive, 3; Hypertrophic cardiomyopathy 2; Dilated cardiomyopathy 1D. Last evaluated: 2020-03-31. Review status: criteria provided, single submitter. Criteria: Invitae Variant Classification Sherloc (09022015). Collection method: clinical testing. Allele origin: germline.
Comment: In summary, the available evidence is currently insufficient to determine the role of this variant in disease. Therefore, it has been classified as a Variant of Uncertain Significance. Algorithms developed to predict the effect of missense changes on protein structure and function are either unavailable or do not agree on the potential impact of this missense change (SIFT: "Deleterious"; PolyPhen-2: "Probably Damaging"; Align-GVGD: "Class C0"). This variant has not been reported in the literature in individuals with TNNT2-related conditions. This variant is not present in population databases (ExAC no frequency). This sequence change replaces tyrosine with cysteine at codon 187 of the TNNT2 protein (p.Tyr187Cys). The tyrosine residue is moderately conserved and there is a large physicochemical difference between tyrosine and cysteine.

NM_001276345.2(TNNT2):c.590A>G (p.Tyr197Cys)

Gene: TNNT2 (troponin T2, cardiac type; minus strand). Cytogenetic location: 1q32.1.
Variant type: single nucleotide variant.
Coding change: c.590A>G on transcript NM_001276345.2 (MANE Select); coding-DNA position 590, A replaced by G.
Protein change: p.Tyr197Cys; replaces tyrosine 197 with cysteine.
Molecular consequence: missense variant.
Genome position (GRCh38, 1-based): chr1:201,363,306, T>C on the plus strand (A>G on the coding strand, the complement: TNNT2 is on the minus strand). VCF-style: chr1-201363306-T-C. GRCh37 (hg19) VCF-style: chr1-201332434-T-C.
Other names: c.590A>G, p.Tyr197Cys (NM_000364.4); c.560A>G, p.Tyr187Cys (NM_001001430.3, NM_001001431.3, NM_001276347.2); c.545A>G, p.Tyr182Cys (NM_001001432.3); c.470A>G, p.Tyr157Cys (NM_001276346.2); short protein forms Y182C, Y157C, Y187C, Y197C.
Identifiers: ClinVar variation 939603 (VCV000939603.9), dbSNP rs1659042676, ClinGen allele CA344204272.